The following is an entry in ClinVar:

ClinVar aggregate classification (germline): Uncertain significance (1 of 4 stars; one submission).

Conditions:
Long QT syndrome (LQTS). Identifiers: MedGen C0023976, MeSH D008133, MONDO:0002442. Disease mechanism: loss of function. Inheritance: Various modes of inheritance.

Allele frequency attached by ClinVar (database versions not stated): gnomAD exomes below 0.00001.
gnomAD v4.1: 2 of 1,544,304 alleles (0.00013%); highest among the groups gnomAD compares: Non-Finnish European, 0.00017%; no homozygotes.

Submission:

Labcorp Genetics (formerly Invitae), Labcorp
Classification: Uncertain significance for Long QT syndrome. Last evaluated: 2023-02-04. Review status: criteria provided, single submitter. Criteria: Invitae Variant Classification Sherloc (09022015). Collection method: clinical testing. Allele origin: germline.
Comment: Algorithms developed to predict the effect of missense changes on protein structure and function (SIFT, PolyPhen-2, Align-GVGD) all suggest that this variant is likely to be tolerated. In summary, the available evidence is currently insufficient to determine the role of this variant in disease. Therefore, it has been classified as a Variant of Uncertain Significance. This variant has not been reported in the literature in individuals affected with KCNH2-related conditions. This variant is not present in population databases (gnomAD no frequency). This sequence change replaces alanine, which is neutral and non-polar, with valine, which is neutral and non-polar, at codon 1044 of the KCNH2 protein (p.Ala1044Val).

NM_000238.4(KCNH2):c.3131C>T (p.Ala1044Val)

Gene: KCNH2 (potassium voltage-gated channel subfamily H member 2; minus strand). Cytogenetic location: 7q36.1.
Variant type: single nucleotide variant.
Coding change: c.3131C>T on transcript NM_000238.4 (MANE Select); coding-DNA position 3131, C replaced by T.
Protein change: p.Ala1044Val; replaces alanine 1044 with valine.
Molecular consequence: missense variant. On other transcripts: non-coding transcript variant (2).
Genome position (GRCh38, 1-based): chr7:150,947,349, G>A on the plus strand (C>T on the coding strand, the complement: KCNH2 is on the minus strand). VCF-style: chr7-150947349-G-A. GRCh37 (hg19) VCF-style: chr7-150644437-G-A.
Other names: c.2843C>T, p.Ala948Val (NM_001406753.1); c.2111C>T, p.Ala704Val (NM_172057.3); short protein forms A1044V, A948V, A704V.
Identifiers: ClinVar variation 2962867 (VCV002962867.3), dbSNP rs2486003342, ClinGen allele CA369852538.